The following is an entry in ClinVar:

NM_000275.3(OCA2):c.731del (p.Pro244fs)

Gene: OCA2 (OCA2 melanosomal transmembrane protein; minus strand). Cytogenetic location: 15q13.1.
Variant type: Deletion.
Coding change: c.731del on transcript NM_000275.3 (MANE Select); coding-DNA position 731, one base deleted (C; older notation c.731delC).
Protein change: p.Pro244fs; shifts the reading frame from proline 244.
Molecular consequence: frameshift variant.
Genome position (GRCh38, 1-based): chr15:28,018,473, G deleted on the plus strand (C on the coding strand, the reverse complement: OCA2 is on the minus strand); the first of 2 consecutive G bases (chr15:28,018,473-28,018,474); deleting either gives the same sequence. VCF-style (leftmost placement, unchanged base first): chr15-28018472-AG-A. GRCh37 (hg19) VCF-style: chr15-28263618-AG-A.
Other names: c.731del, p.Pro244fs (NM_001300984.2); short protein forms P244fs.
Identifiers: ClinVar variation 2035098 (VCV002035098.4), dbSNP rs2548453019, ClinGen allele CA2580089177.
Genomic context (GRCh38, chr15:28,018,472, plus strand): 5'-CCACCTGGAGCCCAAAGCGTCAGCCTGGGTCAGCTCCACCACGATGTGCTCTTCCCTCCC[AG>A]GACGACTCGGCCCACTGGCCACTAGGGCCCCTGCCAGGTCCACCTGCAGCAGCGTGGAGT-3'

ClinVar aggregate classification (germline): Pathogenic (1 of 4 stars; one submission).

Submission:

Labcorp Genetics (formerly Invitae), Labcorp
Classification: Pathogenic. Last evaluated: 2022-10-10. Review status: criteria provided, single submitter. Criteria: Invitae Variant Classification Sherloc (09022015). Collection method: clinical testing. Allele origin: germline.
Comment: This variant is not present in population databases (gnomAD no frequency). This variant has not been reported in the literature in individuals affected with OCA2-related conditions. For these reasons, this variant has been classified as Pathogenic. This sequence change creates a premature translational stop signal (p.Pro244Leufs*11) in the OCA2 gene. It is expected to result in an absent or disrupted protein product. Loss-of-function variants in OCA2 are known to be pathogenic (PMID: 19865097, 21541274).

Literature cited by the submitters: PubMed 19865097; PubMed 21541274.